The following is an entry in ClinVar:

NM_001378615.1(CC2D2A):c.576T>C (p.Tyr192=)

Genes: CC2D2A (coiled-coil and C2 domain containing 2A; plus strand), FBXL5 (F-box and leucine rich repeat protein 5; minus strand). Cytogenetic location: 4p15.32.
Variant type: single nucleotide variant.
Coding change: c.576T>C on transcript NM_001378615.1 (MANE Select); coding-DNA position 576, T replaced by C.
Protein change: p.Tyr192=; no amino-acid change (tyrosine 192 retained).
Molecular consequence: synonymous variant.
Genome position (GRCh38, 1-based): chr4:15,511,282, T>C. VCF-style: chr4-15511282-T-C. GRCh37 (hg19) VCF-style: chr4-15512905-T-C.
Other names: c.576T>C, p.Tyr192= (NM_001080522.2); c.429T>C, p.Tyr143= (NM_001378617.1).
Identifiers: ClinVar variation 215779 (VCV000215779.12), dbSNP rs536646769, ClinGen allele CA338655.

ClinVar aggregate classification (germline): Likely benign. Review status: criteria provided, single submitter (1 of 4 stars). 2 submissions from 2 submitters: Likely benign (1). 1 of the submissions does not count toward it. Last evaluated 2025-02-10.

Conditions:
CC2D2A-related disorder. Also called: CC2D2A-related disorders; CC2D2A-related condition. Identifiers: MedGen CN239313.
Meckel-Gruber syndrome. Also called: DYSENCEPHALIA SPLANCHNOCYSTICA; GRUBER SYNDROME; Dysencephalia splachnocystica. Identifiers: Orphanet 564, MedGen C0265215, MONDO:0018921.
Joubert syndrome. Also called: Familial aplasia of the vermis; JOUBERT-BOLTSHAUSER SYNDROME. Identifiers: Orphanet 475, MedGen C5979921, MONDO:0018772.

Allele frequency attached by ClinVar (database versions not stated): gnomAD 0.00001; TOPMed 0.00001; gnomAD exomes 0.00004 and 0.00010; ExAC 0.00007; 1000 Genomes Project 0.00020; 1000 Genomes Project 30x 0.00031.
gnomAD v4.1: 141 of 1,600,266 alleles (0.0088%); highest among the groups gnomAD compares: Non-Finnish European, 0.011%; no homozygotes.

Submissions (2):

Labcorp Genetics (formerly Invitae), Labcorp
Classification: Likely benign for Joubert syndrome; Meckel-Gruber syndrome. Last evaluated: 2025-02-10. Review status: criteria provided, single submitter. Criteria: Invitae Variant Classification Sherloc (09022015). Collection method: clinical testing. Allele origin: germline.

PreventionGenetics, part of Exact Sciences
Classification: Likely benign for CC2D2A-related condition. Last evaluated: 2021-03-04. Review status: no assertion criteria provided. Collection method: clinical testing. Allele origin: germline. Not counted in ClinVar's aggregate classification.
Comment: This variant is classified as likely benign based on ACMG/AMP sequence variant interpretation guidelines (Richards et al. 2015 PMID: 25741868, with internal and published modifications).